The following is an entry in ClinVar:

ClinVar aggregate classification (germline): Uncertain significance. Review status: criteria provided, multiple submitters, no conflicts (2 of 4 stars). 2 submissions from 2 submitters: Uncertain significance (2). Last evaluated 2025-04-12.

Conditions:
Spermatogenic failure 18. Identifiers: MedGen C4539783, MONDO:0054615, OMIM 617576.
Ciliary dyskinesia, primary, 37 (CILD37). Also called: CILIARY DYSKINESIA, PRIMARY, 37, WITH OR WITHOUT SITUS INVERSUS. Identifiers: MedGen C4539798, MONDO:0033204, OMIM 617577.

Allele frequency attached by ClinVar (database versions not stated): ExAC 0.00002; TOPMed 0.00004; gnomAD exomes 0.00001; gnomAD 0.00008.
gnomAD v4.1: 30 of 1,613,798 alleles (0.0019%); highest among the groups gnomAD compares: African/African-American, 0.012%; no homozygotes.

Submissions (2):

Labcorp Genetics (formerly Invitae), Labcorp
Classification: Uncertain significance for Ciliary dyskinesia, primary, 37; Spermatogenic failure 18. Last evaluated: 2025-04-12. Review status: criteria provided, single submitter. Criteria: Invitae Variant Classification Sherloc (09022015). Collection method: clinical testing. Allele origin: germline.
Comment: This sequence change replaces serine, which is neutral and polar, with leucine, which is neutral and non-polar, at codon 1929 of the DNAH1 protein (p.Ser1929Leu). This variant is present in population databases (rs554663244, gnomAD 0.004%). This variant has not been reported in the literature in individuals affected with DNAH1-related conditions. ClinVar contains an entry for this variant (Variation ID: 3083398). Invitae Evidence Modeling of protein sequence and biophysical properties (such as structural, functional, and spatial information, amino acid conservation, physicochemical variation, residue mobility, and thermodynamic stability) indicates that this missense variant is not expected to disrupt DNAH1 protein function with a negative predictive value of 80%. In summary, the available evidence is currently insufficient to determine the role of this variant in disease. Therefore, it has been classified as a Variant of Uncertain Significance.

Ambry Genetics
Classification: Uncertain significance. Last evaluated: 2024-01-22. Review status: criteria provided, single submitter. Criteria: Ambry Variant Classification Scheme 2023. Collection method: clinical testing. Allele origin: germline.

NM_015512.5(DNAH1):c.5786C>T (p.Ser1929Leu)

Gene: DNAH1 (dynein axonemal heavy chain 1; plus strand). Cytogenetic location: 3p21.1.
Variant type: single nucleotide variant.
Coding change: c.5786C>T on transcript NM_015512.5 (MANE Select); coding-DNA position 5786, C replaced by T.
Protein change: p.Ser1929Leu; replaces serine 1929 with leucine.
Molecular consequence: missense variant.
Genome position (GRCh38, 1-based): chr3:52,368,761, C>T. VCF-style: chr3-52368761-C-T. GRCh37 (hg19) VCF-style: chr3-52402777-C-T.
Other names: short protein forms S1929L.
Identifiers: ClinVar variation 3083398 (VCV003083398.3), dbSNP rs554663244, ClinGen allele CA2434330.